The following is an entry in ClinVar:

NM_000368.5(TSC1):c.149T>G (p.Leu50Arg)

Gene: TSC1 (TSC complex subunit 1; minus strand). Cytogenetic location: 9q34.13.
Variant type: single nucleotide variant.
Coding change: c.149T>G on transcript NM_000368.5 (MANE Select); coding-DNA position 149, T replaced by G.
Protein change: p.Leu50Arg; replaces leucine 50 with arginine.
Molecular consequence: missense variant. On other transcripts: intron variant (1).
Genome position (GRCh38, 1-based): chr9:132,927,262, A>C on the plus strand (T>G on the coding strand, the complement: TSC1 is on the minus strand). VCF-style: chr9-132927262-A-C. GRCh37 (hg19) VCF-style: chr9-135802649-A-C.
Other names: c.149T>G, p.Leu50Arg (NM_001162426.2, NM_001162427.2, NM_001406592.1 and 21 more transcripts); c.-340T>G (NM_001406615.1, NM_001406623.1); c.-307T>G (NM_001406616.1, NM_001406624.1); c.-729T>G (NM_001406626.1, NM_001406627.1, NM_001406628.1); c.-871T>G (NM_001406629.1); c.-945T>G (NM_001406630.1); c.-154+1505T>G (NM_001362177.2); short protein forms L50R.
Identifiers: ClinVar variation 1773968 (VCV001773968.3), dbSNP rs118203341, ClinGen allele CA375375149.

ClinVar aggregate classification (germline): Uncertain significance (1 of 4 stars; one submission).

Conditions:
Hereditary cancer-predisposing syndrome. Also called: Hereditary Cancer Syndrome; Hereditary neoplastic syndrome; Neoplastic Syndromes, Hereditary; Tumor predisposition. Identifiers: Orphanet 140162, MedGen C0027672, MeSH D009386, MONDO:0015356.

Submission:

Ambry Genetics
Classification: Uncertain significance for Hereditary cancer-predisposing syndrome. Last evaluated: 2026-07-10. Review status: criteria provided, single submitter. Criteria: Ambry Variant Classification Scheme 2023. Collection method: clinical testing. Allele origin: germline.
Comment: The p.L50R variant (also known as c.149T>G), located in coding exon 2 of the TSC1 gene, results from a T to G substitution at nucleotide position 149. The leucine at codon 50 is replaced by arginine, an amino acid with dissimilar properties. This amino acid position is conserved. In addition, this alteration is predicted to be deleterious by in silico analysis. Based on the available evidence, the clinical significance of this variant remains unclear.